The following is an entry in ClinVar:

NM_080860.4(RSPH1):c.919C>T (p.Leu307Phe)

Gene: RSPH1 (radial spoke head component 1; minus strand). Cytogenetic location: 21q22.3.
Variant type: single nucleotide variant.
Coding change: c.919C>T on transcript NM_080860.4 (MANE Select); coding-DNA position 919, C replaced by T.
Protein change: p.Leu307Phe; replaces leucine 307 with phenylalanine.
Molecular consequence: missense variant.
Genome position (GRCh38, 1-based): chr21:42,472,829, G>A on the plus strand (C>T on the coding strand, the complement: RSPH1 is on the minus strand). VCF-style: chr21-42472829-G-A. GRCh37 (hg19) VCF-style: chr21-43892939-G-A.
Other names: p.Leu307Phe; c.805C>T, p.Leu269Phe (NM_001286506.2); short protein forms L307F, L269F.
Identifiers: ClinVar variation 454953 (VCV000454953.6), dbSNP rs141886699, ClinGen allele CA10043691.

ClinVar aggregate classification (germline): Uncertain significance. Review status: criteria provided, multiple submitters, no conflicts (2 of 4 stars). 2 submissions from 2 submitters: Uncertain significance (2). Last evaluated 2025-05-08.

Conditions:
Primary ciliary dyskinesia. Also called: Ciliary dyskinesia. Identifiers: Orphanet 244, MedGen C0008780, MONDO:0016575, HP:0012265.

Allele frequency attached by ClinVar (database versions not stated): gnomAD exomes 0.00018; ExAC 0.00022; gnomAD 0.00047 and 0.00049; TOPMed 0.00053; ESP Exome Variant Server 0.00069; 1000 Genomes Project 0.00080; 1000 Genomes Project 30x 0.00094.

Submissions (2):

Mayo Clinic Laboratories, Mayo Clinic
Classification: Uncertain significance. Last evaluated: 2025-05-08. Review status: criteria provided, single submitter. Criteria: ACMG Guidelines, 2015. Collection method: clinical testing. Allele origin: germline. Observed: 1 variant allele.
Comment: BP4

Labcorp Genetics (formerly Invitae), Labcorp
Classification: Uncertain significance for Primary ciliary dyskinesia. Last evaluated: 2022-09-07. Review status: criteria provided, single submitter. Criteria: Invitae Variant Classification Sherloc (09022015). Collection method: clinical testing. Allele origin: germline.
Comment: This sequence change replaces leucine, which is neutral and non-polar, with phenylalanine, which is neutral and non-polar, at codon 307 of the RSPH1 protein (p.Leu307Phe). This variant is present in population databases (rs141886699, gnomAD 0.2%). This variant has not been reported in the literature in individuals affected with RSPH1-related conditions. ClinVar contains an entry for this variant (Variation ID: 454953). Algorithms developed to predict the effect of missense changes on protein structure and function are either unavailable or do not agree on the potential impact of this missense change (SIFT: "Tolerated"; PolyPhen-2: "Possibly Damaging"; Align-GVGD: "Class C0"). In summary, the available evidence is currently insufficient to determine the role of this variant in disease. Therefore, it has been classified as a Variant of Uncertain Significance.